The following is an entry in ClinVar:

NM_032607.3(CREB3L3):c.457G>T (p.Glu153Ter)

Gene: CREB3L3 (cAMP responsive element binding protein 3 like 3; plus strand). Cytogenetic location: 19p13.3.
Variant type: single nucleotide variant.
Coding change: c.457G>T on transcript NM_032607.3 (MANE Select); coding-DNA position 457, G replaced by T.
Protein change: p.Glu153Ter; replaces glutamic acid 153 with a stop codon.
Molecular consequence: nonsense.
Genome position (GRCh38, 1-based): chr19:4,157,295, G>T. VCF-style: chr19-4157295-G-T. GRCh37 (hg19) VCF-style: chr19-4157292-G-T.
Other names: c.454G>T, p.Glu152Ter (NM_001271995.2); c.457G>T, p.Glu153Ter (NM_001271996.2, NM_001271997.2); short protein forms E152*, E153*.
Identifiers: ClinVar variation 4772573 (VCV004772573.1).
Genomic context (GRCh38, chr19:4,157,295, plus strand): 5'-TCCACCACAACCCCAGGGCCAGTGATCCAAGTACCTGAAGCCTCTGTGACCATAGACCTG[G>T]GTGAGTCCTGCTGTGTCTCTGCCCACCGCCCTCACCTTGTTCCAGGGCCCTTCCTGTAAG-3'

ClinVar aggregate classification (germline): Pathogenic (1 of 4 stars; one submission).

gnomAD v4.1: 4 of 1,614,098 alleles (0.00025%); highest among the groups gnomAD compares: Non-Finnish European, 0.00034%; no homozygotes.

Submission:

Labcorp Genetics (formerly Invitae), Labcorp
Classification: Pathogenic. Last evaluated: 2025-09-04. Review status: criteria provided, single submitter. Criteria: Invitae Variant Classification Sherloc (09022015). Collection method: clinical testing. Allele origin: germline.
Comment: This sequence change creates a premature translational stop signal (p.Glu153*) in the CREB3L3 gene. It is expected to result in an absent or disrupted protein product. Loss-of-function variants in CREB3L3 are known to be pathogenic (PMID: 21666694, 26427795). This variant is not present in population databases (gnomAD no frequency). This variant has not been reported in the literature in individuals affected with CREB3L3-related conditions. Algorithms developed to predict the effect of sequence changes on RNA splicing suggest that this variant may disrupt the consensus splice site. For these reasons, this variant has been classified as Pathogenic.

Literature cited by the submitters: PubMed 21666694; PubMed 26427795.